The following is an entry in ClinVar:

NM_020207.7(ERCC6L2):c.651_662del (p.Thr218_Tyr221del)

Gene: ERCC6L2 (ERCC excision repair 6 like 2; plus strand). Cytogenetic location: 9q22.32.
Variant type: Deletion.
Coding change: c.651_662del on transcript NM_020207.7 (MANE Select); coding-DNA positions 651 to 662, 12 bases deleted (CACCTGGGGATA).
Protein change: p.Thr218_Tyr221del.
Molecular consequence: inframe deletion. On other transcripts: non-coding transcript variant (1).
Genome position (GRCh38, 1-based): chr9:95,907,134-95,907,145, CACCTGGGGATA deleted; deleting any 12 consecutive bases within chr9:95,907,133-95,907,145 gives the same sequence; the c. name uses the placement nearest the transcript's 3' end. VCF-style (leftmost placement, unchanged base first): chr9-95907132-GACACCTGGGGAT-G. GRCh37 (hg19) VCF-style: chr9-98669414-GACACCTGGGGAT-G.
Other names: c.651_662del, p.Thr218_Tyr221del (NM_001010895.4, NM_001375291.1, NM_001375292.1 and 2 more transcripts).
Identifiers: ClinVar variation 4731606 (VCV004731606.1).
Genomic context (GRCh38, chr9:95,907,132, plus strand): 5'-TTTTAGATGTTCTTAATAGTTGCTCCTCTTTCTGTCCTCTACAACTGGAAGGATGAATTG[GACACCTGGGGAT>G]ATTTCAGAGTCACTGTTTTACATGGAAACAGAAAAGATAATGAATTAATTCGTGTAAAGC-3'

ClinVar aggregate classification (germline): Uncertain significance (1 of 4 stars; one submission).

Submission:

Labcorp Genetics (formerly Invitae), Labcorp
Classification: Uncertain significance. Last evaluated: 2025-11-20. Review status: criteria provided, single submitter. Criteria: Invitae Variant Classification Sherloc (09022015). Collection method: clinical testing. Allele origin: germline.
Comment: This variant, c.684_695del, results in the deletion of 4 amino acid(s) of the ERCC6L2 protein (p.Thr229_Tyr232del), but otherwise preserves the integrity of the reading frame. This variant is not present in population databases (gnomAD no frequency). This variant has not been reported in the literature in individuals affected with ERCC6L2-related conditions. Experimental studies and prediction algorithms are not available or were not evaluated, and the functional significance of this variant is currently unknown. In summary, the available evidence is currently insufficient to determine the role of this variant in disease. Therefore, it has been classified as a Variant of Uncertain Significance.